The following is an entry in ClinVar:

ClinVar aggregate classification (germline): Uncertain significance. Review status: criteria provided, multiple submitters, no conflicts (2 of 4 stars). 3 submissions from 3 submitters: Uncertain significance (3). Last evaluated 2024-11-26.

Conditions:
FANCA-related disorder. Also called: FANCA-related condition.

Allele frequency attached by ClinVar (database versions not stated): gnomAD exomes 0.00001; ExAC 0.00002.
gnomAD v4.1: 5 of 1,613,568 alleles (0.00031%); highest among the groups gnomAD compares: Admixed American, 0.0067%; no homozygotes.

Submissions (3):

PreventionGenetics, part of Exact Sciences
Classification: Uncertain significance for FANCA-related condition. Last evaluated: 2024-11-26. Review status: criteria provided, single submitter. Criteria: ACMG Guidelines, 2015. Collection method: clinical testing. Allele origin: germline.
Comment: The FANCA c.4309C>T variant is predicted to result in premature protein termination (p.Gln1437*). To our knowledge, this variant has not been reported in the literature. The c.4309C>T variant occurs in the final exon of the NM_000135 transcript, and it is unknown if this premature termination would result in nonsense mediated decay or otherwise alter protein function. This variant is reported in 0.0087% of alleles in individuals of Latino descent in gnomAD. At this time, the clinical significance of this variant is uncertain due to the absence of conclusive functional and genetic evidence.

Women's Health and Genetics/Laboratory Corporation of America, LabCorp
Classification: Uncertain significance. Last evaluated: 2024-01-12. Review status: criteria provided, single submitter. Criteria: LabCorp Variant Classification Summary - May 2015. Collection method: clinical testing. Allele origin: germline.
Comment: Variant summary: FANCA c.4309C>T (p.Gln1437X) results in a premature termination codon, predicted to cause a truncation of the encoded protein, which is a commonly known mechanism for disease. The variant allele was found at a frequency of 1.6e-05 in 248312 control chromosomes. The available data on variant occurrences in the general population are insufficient to allow any conclusion about variant significance. c.4309C>T has been reported in the literature in one homozygous individual affected with high-grade ovarian carcinoma (Swisher_2021). However, the authors note that the variant in this individual was determined to be germline using computational inference, and the particular study group that the patient belonged to makes it unclear whether this variant was present in more than just tumor tissue. Therefore, this report does not provide unequivocal conclusions about association of the variant with Fanconi Anemia. To our knowledge, no experimental evidence demonstrating an impact on protein function has been reported. Furthermore, this premature termination variant occurs within the final exon (exon 43) of the FANCA gene, and no downstream pathogenic variants have been reported in ClinVar, HGMD, or LOVD to our knowledge. The following publication has been ascertained in the context of this evaluation (PMID: 33941784). ClinVar contains an entry for this variant (Variation ID: 2681908). Based on the evidence outlined above, the variant was classified as uncertain significance.

Quest Diagnostics Nichols Institute San Juan Capistrano
Classification: Uncertain significance. Last evaluated: 2022-10-06. Review status: criteria provided, single submitter. Criteria: Quest Diagnostics criteria. Collection method: clinical testing. Allele origin: unknown.
Comment: This nonsense variant is predicted to cause the premature termination of FANCA protein synthesis. However, this variant is located in the terminal exon of the FANCA gene and is not expected to trigger nonsense mediated decay. Therefore, the impact of this variant on protein function is uncertain. To the best of our knowledge, the variant has not been reported in online databases or the published literature. The frequency of this variant in the general population, 0.000087 (3/34564 chromosomes), is uninformative in assessment of its pathogenicity. Based on the available information, we are unable to determine the clinical significance of this variant.

Literature cited by the submitters: PubMed 33941784 (cited by Women's Health and Genetics/Laboratory Corporation of America, LabCorp); PubMed 28239445 (cited by Quest Diagnostics Nichols Institute San Juan Capistrano).

NM_000135.4(FANCA):c.4309C>T (p.Gln1437Ter)

Genes: FANCA (FA complementation group A; minus strand), ZNF276 (zinc finger protein 276; plus strand). Cytogenetic location: 16q24.3.
Variant type: single nucleotide variant.
Coding change: c.4309C>T on transcript NM_000135.4 (MANE Select); coding-DNA position 4309, C replaced by T.
Protein change: p.Gln1437Ter; replaces glutamine 1437 with a stop codon.
Molecular consequence: nonsense. On other transcripts: 3 prime UTR variant (3), non-coding transcript variant (4).
Genome position (GRCh38, 1-based): chr16:89,738,660, G>A on the plus strand (C>T on the coding strand, the complement: FANCA is on the minus strand). VCF-style: chr16-89738660-G-A. GRCh37 (hg19) VCF-style: chr16-89805068-G-A.
Other names: c.*38C>T (NM_001286167.3); c.*414G>A (NM_001113525.2, NM_152287.4); short protein forms Q1437*.
Identifiers: ClinVar variation 2681908 (VCV002681908.3), dbSNP rs760722877, ClinGen allele CA8250577.